The following is an entry in ClinVar:

ClinVar aggregate classification (germline): Uncertain significance. Review status: criteria provided, multiple submitters, no conflicts (2 of 4 stars). 5 submissions from 5 submitters: Uncertain significance (5). Last evaluated 2026-01-27.

Conditions:
Aortic aneurysm, familial thoracic 7 (AAT7). Also called: AORTIC DISSECTION, FAMILIAL, WITH OR WITHOUT AORTIC ANEURYSM. Identifiers: MedGen C3151077, MONDO:0013418, OMIM 613780.
Megacystis-microcolon-intestinal hypoperistalsis syndrome 1. Identifiers: MedGen C5542316, MONDO:0100354, OMIM 249210.
Familial thoracic aortic aneurysm and aortic dissection (TAAD). Also called: Thoracic aortic aneurysms and dissections. Identifiers: Orphanet 91387, MedGen C4707243, MONDO:0019625.

Allele frequency attached by ClinVar (database versions not stated): gnomAD exomes below 0.00001 and 0.00002; gnomAD 0.00001; TOPMed 0.00001.
gnomAD v4.1: 25 of 1,613,856 alleles (0.0015%); highest among the groups gnomAD compares: Admixed American, 0.0033%; no homozygotes.

Submissions (5):

Labcorp Genetics (formerly Invitae), Labcorp
Classification: Uncertain significance for Aortic aneurysm, familial thoracic 7. Last evaluated: 2026-01-27. Review status: criteria provided, single submitter. Criteria: Invitae Variant Classification Sherloc (09022015). Collection method: clinical testing. Allele origin: germline.
Comment: This sequence change replaces glutamic acid, which is acidic and polar, with lysine, which is basic and polar, at codon 802 of the MYLK protein (p.Glu802Lys). This variant is present in population databases (no rsID available, gnomAD 0.0009%). This variant has not been reported in the literature in individuals affected with MYLK-related conditions. ClinVar contains an entry for this variant (Variation ID: 471710). Invitae Evidence Modeling of protein sequence and biophysical properties (such as structural, functional, and spatial information, amino acid conservation, physicochemical variation, residue mobility, and thermodynamic stability) indicates that this missense variant is not expected to disrupt MYLK protein function with a negative predictive value of 80%. Algorithms developed to predict the effect of sequence changes on RNA splicing suggest that this variant may disrupt the consensus splice site. In summary, the available evidence is currently insufficient to determine the role of this variant in disease. Therefore, it has been classified as a Variant of Uncertain Significance.

GeneDx
Classification: Uncertain significance. Last evaluated: 2024-07-17. Review status: criteria provided, single submitter. Criteria: GeneDx Variant Classification Process June 2021. Collection method: clinical testing. Allele origin: germline. Affected: yes.
Comment: Has not been previously published as pathogenic or benign to our knowledge; Not observed at significant frequency in large population cohorts (gnomAD); In silico analysis indicates that this missense variant does not alter protein structure/function

Ambry Genetics
Classification: Uncertain significance for Familial thoracic aortic aneurysm and aortic dissection. Last evaluated: 2024-04-04. Review status: criteria provided, single submitter. Criteria: Ambry Variant Classification Scheme 2023. Collection method: clinical testing. Allele origin: germline.
Comment: The p.E802K variant (also known as c.2404G>A), located in coding exon 14 of the MYLK gene, results from a G to A substitution at nucleotide position 2404. The glutamic acid at codon 802 is replaced by lysine, an amino acid with similar properties. This amino acid position is well conserved in available vertebrate species. In addition, this alteration is predicted to be tolerated by in silico analysis. Based on the available evidence, the clinical significance of this variant remains unclear.

Women's Health and Genetics/Laboratory Corporation of America, LabCorp
Classification: Uncertain significance. Last evaluated: 2024-02-12. Review status: criteria provided, single submitter. Criteria: LabCorp Variant Classification Summary - May 2015. Collection method: clinical testing. Allele origin: germline.
Comment: Variant summary: MYLK c.2404G>A (p.Glu802Lys) results in a conservative amino acid change located in the Immunoglobulin subtype (IPR003599) of the encoded protein sequence. Three of five in-silico tools predict a benign effect of the variant on protein function. The variant allele was found at a frequency of 4e-06 in 251458 control chromosomes. The available data on variant occurrences in the general population are insufficient to allow any conclusion about variant significance. To our knowledge, no occurrence of c.2404G>A in individuals affected with Aortopathy and no experimental evidence demonstrating its impact on protein function have been reported. ClinVar contains an entry for this variant (Variation ID: 471710). Based on the evidence outlined above, the variant was classified as uncertain significance.

Fulgent Genetics
Classification: Uncertain significance for Megacystis-microcolon-intestinal hypoperistalsis syndrome 1; Aortic aneurysm, familial thoracic 7. Last evaluated: 2021-10-26. Review status: criteria provided, single submitter. Criteria: ACMG Guidelines, 2015. Collection method: clinical testing. Allele origin: unknown.

NM_053025.4(MYLK):c.2404G>A (p.Glu802Lys)

Gene: MYLK (myosin light chain kinase; minus strand). Cytogenetic location: 3q21.1.
Variant type: single nucleotide variant.
Coding change: c.2404G>A on transcript NM_053025.4 (MANE Select); coding-DNA position 2404, G replaced by A.
Protein change: p.Glu802Lys; replaces glutamic acid 802 with lysine.
Molecular consequence: missense variant.
Genome position (GRCh38, 1-based): chr3:123,701,496, C>T on the plus strand (G>A on the coding strand, the complement: MYLK is on the minus strand). VCF-style: chr3-123701496-C-T. GRCh37 (hg19) VCF-style: chr3-123420343-C-T.
Other names: c.1876G>A, p.Glu626Lys (NM_001321309.2); c.2197G>A, p.Glu733Lys (NM_053026.4, NM_053028.4); c.2404G>A, p.Glu802Lys (NM_053027.4); short protein forms E802K, E626K, E733K.
Identifiers: ClinVar variation 471710 (VCV000471710.12), dbSNP rs1477764878, ClinGen allele CA354232745.